The following is an entry in ClinVar:

ClinVar aggregate classification (germline): Uncertain significance. Review status: criteria provided, single submitter (1 of 4 stars). 2 submissions from 2 submitters: Uncertain significance (1). 1 of the submissions does not count toward it. Last evaluated 2023-09-01.

Conditions:
PDGFRB-related disorder. Also called: PDGFRB-related condition.

Allele frequency attached by ClinVar (database versions not stated): gnomAD exomes 0.00002; gnomAD 0.00003; TOPMed 0.00003; ExAC 0.00005; ESP Exome Variant Server 0.00023.

Submissions (2):

CeGaT Center for Human Genetics Tuebingen
Classification: Uncertain significance. Last evaluated: 2023-09-01. Review status: criteria provided, single submitter. Criteria: CeGaT Center For Human Genetics Tuebingen Variant Classification Criteria Version 2. Collection method: clinical testing. Allele origin: germline. Affected: yes. Observed: 1 variant allele.
Comment: PDGFRB: PM2, BP4

PreventionGenetics, part of Exact Sciences
Classification: Likely benign for PDGFRB-related condition. Last evaluated: 2023-10-12. Review status: no assertion criteria provided. Collection method: clinical testing. Allele origin: germline. Not counted in ClinVar's aggregate classification.
Comment: This variant is classified as likely benign based on ACMG/AMP sequence variant interpretation guidelines (Richards et al. 2015 PMID: 25741868, with internal and published modifications).

NM_002609.4(PDGFRB):c.1000C>T (p.Arg334Trp)

Gene: PDGFRB (platelet derived growth factor receptor beta; minus strand). Cytogenetic location: 5q32.
Variant type: single nucleotide variant.
Coding change: c.1000C>T on transcript NM_002609.4 (MANE Select); coding-DNA position 1000, C replaced by T.
Protein change: p.Arg334Trp; replaces arginine 334 with tryptophan.
Molecular consequence: missense variant.
Genome position (GRCh38, 1-based): chr5:150,132,877, G>A on the plus strand (C>T on the coding strand, the complement: PDGFRB is on the minus strand). VCF-style: chr5-150132877-G-A. GRCh37 (hg19) VCF-style: chr5-149512440-G-A.
Other names: c.808C>T, p.Arg270Trp (NM_001355016.2); c.517C>T, p.Arg173Trp (NM_001355017.2); c.1000C>T (NM_002609.3); short protein forms R173W, R270W, R334W.
Identifiers: ClinVar variation 2655910 (VCV002655910.25), dbSNP rs150846835, ClinGen allele CA3508135.
Genomic context (GRCh38, chr5:150,132,877, plus strand): 5'-TGTCTTTGAACCACAGGACAGTGGGCGGTGGGTAGGCCTCGAACACTACCTGCAGTGTCC[G>A]GCTCCGATGCAGCTCAGCAAATTGTAGTGTGCCCACCTCTCCCAGGAGCCGCACGTAGCC-3'
Protein context (NP_002600.1, residues 324-344): TLQFAELHRS[Arg334Trp]TLQVVFEAYP